The following is an entry in ClinVar:

ClinVar aggregate classification (germline): Uncertain significance. Review status: criteria provided, multiple submitters, no conflicts (2 of 4 stars). 2 submissions from 2 submitters: Uncertain significance (2). Last evaluated 2023-06-29.

Conditions:
Gastrointestinal stromal tumor. Also called: Gastrointestinal stromal tumor, somatic; Gastrointestinal stroma tumor. Identifiers: Orphanet 44890, MedGen C0238198, MeSH D046152, MONDO:0011719, OMIM 606764, HP:0100723.
Hereditary cancer-predisposing syndrome. Also called: Neoplastic Syndromes, Hereditary; Tumor predisposition; Hereditary Cancer Syndrome; Hereditary neoplastic syndrome. Identifiers: Orphanet 140162, MedGen C0027672, MeSH D009386, MONDO:0015356.

Submissions (2):

Ambry Genetics
Classification: Uncertain significance for Hereditary cancer-predisposing syndrome. Last evaluated: 2023-06-29. Review status: criteria provided, single submitter. Criteria: Ambry Variant Classification Scheme 2023. Collection method: clinical testing. Allele origin: germline.
Comment: The p.N73K variant (also known as c.219T>A), located in coding exon 2 of the PDGFRA gene, results from a T to A substitution at nucleotide position 219. The asparagine at codon 73 is replaced by lysine, an amino acid with similar properties. This amino acid position is conserved. In addition, this alteration is predicted to be tolerated by in silico analysis. Since supporting evidence is limited at this time, the clinical significance of this alteration remains unclear.

Labcorp Genetics (formerly Invitae), Labcorp
Classification: Uncertain significance for Gastrointestinal stromal tumor. Last evaluated: 2020-12-07. Review status: criteria provided, single submitter. Criteria: Invitae Variant Classification Sherloc (09022015). Collection method: clinical testing. Allele origin: germline.
Comment: In summary, the available evidence is currently insufficient to determine the role of this variant in disease. Therefore, it has been classified as a Variant of Uncertain Significance. Algorithms developed to predict the effect of missense changes on protein structure and function are either unavailable or do not agree on the potential impact of this missense change (SIFT: "Deleterious"; PolyPhen-2: "Benign"; Align-GVGD: "Class C0"). This variant has not been reported in the literature in individuals with PDGFRA-related conditions. This variant is not present in population databases (ExAC no frequency). This sequence change replaces asparagine with lysine at codon 73 of the PDGFRA protein (p.Asn73Lys). The asparagine residue is moderately conserved and there is a moderate physicochemical difference between asparagine and lysine.

NM_006206.6(PDGFRA):c.219T>A (p.Asn73Lys)

Gene: PDGFRA (platelet derived growth factor receptor alpha; plus strand). Cytogenetic location: 4q12.
Variant type: single nucleotide variant.
Coding change: c.219T>A on transcript NM_006206.6 (MANE Select); coding-DNA position 219, T replaced by A.
Protein change: p.Asn73Lys; replaces asparagine 73 with lysine.
Molecular consequence: missense variant.
Genome position (GRCh38, 1-based): chr4:54,261,264, T>A. VCF-style: chr4-54261264-T-A. GRCh37 (hg19) VCF-style: chr4-55127431-T-A.
Other names: c.219T>A, p.Asn73Lys (NM_001347827.2, NM_001347829.2); c.294T>A, p.Asn98Lys (NM_001347828.2); c.258T>A, p.Asn86Lys (NM_001347830.2); short protein forms N98K, N73K, N86K.
Identifiers: ClinVar variation 856822 (VCV000856822.12), dbSNP rs886059443, ClinGen allele CA356888519.
Genomic context (GRCh38, chr4:54,261,264, plus strand): 5'-TGAAGTGAGCTGGCAGTACCCCATGTCTGAAGAAGAGAGCTCCGATGTGGAAATCAGAAA[T>A]GAAGAAAACAACAGCGGCCTTTTTGTGACGGTCTTGGAAGTGAGCAGTGCCTCGGCGGCC-3'
Protein context (NP_006197.1, residues 63-83): EEESSDVEIR[Asn73Lys]EENNSGLFVT